The following is an entry in ClinVar:

ClinVar aggregate classification (germline): Benign. Review status: criteria provided, multiple submitters, no conflicts (2 of 4 stars). 6 submissions from 6 submitters: Benign (6). Last evaluated 2026-02-04.

Conditions:
Usher syndrome type 2A. Also called: RETINAL DISEASE IN USHER SYNDROME TYPE IIA, MODIFIER OF; USHER SYNDROME, TYPE IIA. Identifiers: Orphanet 231178, Orphanet 886, MedGen C1848634, MONDO:0010169, OMIM 276901.

Allele frequency attached by ClinVar (database versions not stated): gnomAD 0.09663 and 0.09761; TOPMed 0.09641; 1000 Genomes Project 0.07847; 1000 Genomes Project 30x 0.07745; ESP Exome Variant Server 0.10334.
gnomAD v4.1: 154,096 of 1,613,192 alleles (9.6%); highest among the groups gnomAD compares: African/African-American, 12%; 7,916 homozygotes.

Submissions (6):

Labcorp Genetics (formerly Invitae), Labcorp
Classification: Benign. Last evaluated: 2026-02-04. Review status: criteria provided, single submitter. Criteria: Invitae Variant Classification Sherloc (09022015). Collection method: clinical testing. Allele origin: germline.

Women's Health and Genetics/Laboratory Corporation of America, LabCorp
Classification: Benign. Last evaluated: 2025-09-19. Review status: criteria provided, single submitter. Criteria: LabCorp Variant Classification Summary - May 2015. Collection method: clinical testing. Allele origin: germline.

Genome-Nilou Lab
Classification: Benign for Usher syndrome type 2A. Last evaluated: 2021-07-01. Review status: criteria provided, single submitter. Criteria: ACMG Guidelines, 2015. Collection method: clinical testing. Allele origin: germline. Affected: no.

GeneDx
Classification: Benign. Last evaluated: 2011-08-01. Review status: criteria provided, single submitter. Criteria: GeneDx Variant Classification (06012015). Collection method: clinical testing. Allele origin: germline. Affected: yes.
Comment: This variant is considered likely benign or benign based on one or more of the following criteria: it is a conservative change, it occurs at a poorly conserved position in the protein, it is predicted to be benign by multiple in silico algorithms, and/or has population frequency not consistent with disease.

Breakthrough Genomics
Classification: Benign. Review status: criteria provided, single submitter. Criteria: ACMG Guidelines, 2015. Collection method: not provided. Allele origin: germline. Inheritance: Autosomal recessive inheritance. Affected: yes.

PreventionGenetics, part of Exact Sciences
Classification: Benign. Review status: criteria provided, single submitter. Criteria: ACMG Guidelines, 2015. Collection method: clinical testing. Allele origin: germline.

NM_206933.4(USH2A):c.6957+19A>G

Gene: USH2A (usherin; minus strand). Cytogenetic location: 1q41.
Variant type: single nucleotide variant.
Coding change: c.6957+19A>G on transcript NM_206933.4 (MANE Select); 19 bases into the intron after coding-DNA position 6957, A replaced by G.
Molecular consequence: intron variant.
Genome position (GRCh38, 1-based): chr1:215,970,606, T>C on the plus strand (A>G on the coding strand, the complement: USH2A is on the minus strand). VCF-style: chr1-215970606-T-C. GRCh37 (hg19) VCF-style: chr1-216143948-T-C.
Identifiers: ClinVar variation 137896 (VCV000137896.16), dbSNP rs6689120, ClinGen allele CA291624.